The following is an entry in ClinVar:

ClinVar aggregate classification (germline): Uncertain significance. Review status: criteria provided, multiple submitters, no conflicts (2 of 4 stars). 2 submissions from 2 submitters: Uncertain significance (2). Last evaluated 2025-04-17.

Conditions:
DNA ligase IV deficiency. Identifiers: Orphanet 99812, MedGen C1847827, MONDO:0011686, OMIM 606593.
LIG4-related disorder. Also called: LIG4-related disorders; LIG4-related condition. Identifiers: MedGen CN239380.

Allele frequency attached by ClinVar (database versions not stated): gnomAD exomes 0.00001 and 0.00002; TOPMed 0.00001; ExAC 0.00002.
gnomAD v4.1: 14 of 1,614,126 alleles (0.00087%); highest among the groups gnomAD compares: Admixed American, 0.0083%; no homozygotes.

Submissions (2):

Labcorp Genetics (formerly Invitae), Labcorp
Classification: Uncertain significance for DNA ligase IV deficiency. Last evaluated: 2025-04-17. Review status: criteria provided, single submitter. Criteria: Invitae Variant Classification Sherloc (09022015). Collection method: clinical testing. Allele origin: germline.
Comment: This sequence change replaces tyrosine, which is neutral and polar, with aspartic acid, which is acidic and polar, at codon 801 of the LIG4 protein (p.Tyr801Asp). This variant is present in population databases (rs758462531, gnomAD 0.009%). This variant has not been reported in the literature in individuals affected with LIG4-related conditions. ClinVar contains an entry for this variant (Variation ID: 955416). An algorithm developed to predict the effect of missense changes on protein structure and function outputs the following: PolyPhen-2: "Benign". The aspartic acid amino acid residue is found in multiple mammalian species, which suggests that this missense change does not adversely affect protein function. In summary, the available evidence is currently insufficient to determine the role of this variant in disease. Therefore, it has been classified as a Variant of Uncertain Significance.

PreventionGenetics, part of Exact Sciences
Classification: Uncertain significance for LIG4-related condition. Last evaluated: 2024-11-01. Review status: criteria provided, single submitter. Criteria: ACMG Guidelines, 2015. Collection method: clinical testing. Allele origin: germline.
Comment: The LIG4 c.2401T>G variant is predicted to result in the amino acid substitution p.Tyr801Asp. To our knowledge, this variant has not been reported in the literature. This variant is reported in 0.0087% of alleles in individuals of Latino descent in gnomAD. At this time, the clinical significance of this variant is uncertain due to the absence of conclusive functional and genetic evidence.

NM_206937.2(LIG4):c.2401T>G (p.Tyr801Asp)

Gene: LIG4 (DNA ligase 4; minus strand). Cytogenetic location: 13q33.3.
Variant type: single nucleotide variant.
Coding change: c.2401T>G on transcript NM_206937.2 (MANE Select); coding-DNA position 2401, T replaced by G.
Protein change: p.Tyr801Asp; replaces tyrosine 801 with aspartic acid.
Molecular consequence: missense variant.
Genome position (GRCh38, 1-based): chr13:108,208,868, A>C on the plus strand (T>G on the coding strand, the complement: LIG4 is on the minus strand). VCF-style: chr13-108208868-A-C. GRCh37 (hg19) VCF-style: chr13-108861216-A-C.
Other names: c.2401T>G, p.Tyr801Asp (NM_002312.3, NM_001098268.2, NM_001352598.2 and 6 more transcripts); c.2200T>G, p.Tyr734Asp (NM_001330595.2); c.2437T>G, p.Tyr813Asp (NM_001352604.2); short protein forms Y801D, Y813D, Y734D.
Identifiers: ClinVar variation 955416 (VCV000955416.7), dbSNP rs758462531, ClinGen allele CA7043512.
Genomic context (GRCh38, chr13:108,208,868, plus strand): 5'-CCAAATAAACGGTGTGGCGTCGAAACATACTGAGAGGAGAGCAATCCCAGGAATACCGAT[A>C]TTCTAAATCAGCAATCAGAGAAGCCATTTCTTCAGGAGTCTGCTCGTTAGAATTTTTAAT-3'
Protein context (NP_996820.1, residues 791-811): EMASLIADLE[Tyr801Asp]RYSWDCSPLS